The following is an entry in ClinVar:

NM_003900.5(SQSTM1):c.1282C>G (p.Leu428Val)

Gene: SQSTM1 (sequestosome 1; plus strand). Cytogenetic location: 5q35.3.
Variant type: single nucleotide variant.
Coding change: c.1282C>G on transcript NM_003900.5 (MANE Select); coding-DNA position 1282, C replaced by G.
Protein change: p.Leu428Val; replaces leucine 428 with valine.
Molecular consequence: missense variant.
Genome position (GRCh38, 1-based): chr5:179,836,552, C>G. VCF-style: chr5-179836552-C-G. GRCh37 (hg19) VCF-style: chr5-179263552-C-G.
Other names: c.1030C>G, p.Leu344Val (NM_001142298.2, NM_001142299.2); short protein forms L344V, L428V.
Identifiers: ClinVar variation 3373594 (VCV003373594.1).

ClinVar aggregate classification (germline): Uncertain significance (1 of 4 stars; one submission).

Submission:

GeneDx
Classification: Uncertain significance. Last evaluated: 2024-03-01. Review status: criteria provided, single submitter. Criteria: GeneDx Variant Classification Process June 2021. Collection method: clinical testing. Allele origin: germline. Affected: yes.
Comment: Not observed at significant frequency in large population cohorts (gnomAD); In silico analysis supports that this missense variant has a deleterious effect on protein structure/function; Has not been previously published as pathogenic or benign to our knowledge